The following is an entry in ClinVar:

ClinVar aggregate classification (germline): Pathogenic. Review status: criteria provided, multiple submitters, no conflicts (2 of 4 stars). 2 submissions from 2 submitters: Pathogenic (2). Last evaluated 2024-05-06.

Submissions (2):

GeneDx
Classification: Pathogenic. Last evaluated: 2024-05-06. Review status: criteria provided, single submitter. Criteria: GeneDx Variant Classification Process June 2021. Collection method: clinical testing. Allele origin: germline.
Comment: Identified in patients with Stickler syndrome in the published literature (Richards et al., 2010; Choi et al., 2021); Damages or destroys the splice donor site in intron 13 and is expected to cause abnormal gene splicing; if the splice outcome is exon skip, the loss of the encoded residues in the triple helical region is expected to disrupt normal protein folding and function, and this is an established mechanism of disease (HGMD); Not observed at significant frequency in large population cohorts (gnomAD); This variant is associated with the following publications: (PMID: 25525159, 20513134, 34680973)

Labcorp Genetics (formerly Invitae), Labcorp
Classification: Pathogenic. Last evaluated: 2023-08-04. Review status: criteria provided, single submitter. Criteria: Invitae Variant Classification Sherloc (09022015). Collection method: clinical testing. Allele origin: germline.
Comment: This sequence change affects a donor splice site in intron 13 of the COL2A1 gene. It is expected to disrupt RNA splicing. Variants that disrupt the donor or acceptor splice site typically lead to a loss of protein function (PMID: 16199547), and loss-of-function variants in COL2A1 are known to be pathogenic (PMID: 20179744). This variant is not present in population databases (gnomAD no frequency). Disruption of this splice site has been observed in individuals with clinical features of Stickler syndrome (PMID: 20513134; Invitae). ClinVar contains an entry for this variant (Variation ID: 1453173). Algorithms developed to predict the effect of sequence changes on RNA splicing suggest that this variant may disrupt the consensus splice site. For these reasons, this variant has been classified as Pathogenic.

Literature cited by the submitters: PubMed 16199547 (cited by Labcorp Genetics (formerly Invitae), Labcorp); PubMed 20179744 (cited by Labcorp Genetics (formerly Invitae), Labcorp); PubMed 20513134 (cited by Labcorp Genetics (formerly Invitae), Labcorp).

NM_001844.5(COL2A1):c.870+1G>A

Gene: COL2A1 (collagen type II alpha 1 chain; minus strand). Cytogenetic location: 12q13.11.
Variant type: single nucleotide variant.
Coding change: c.870+1G>A on transcript NM_001844.5 (MANE Select); the canonical splice donor site of the intron after coding-DNA position 870, G replaced by A.
Molecular consequence: splice donor variant.
Genome position (GRCh38, 1-based): chr12:47,993,993, C>T on the plus strand (G>A on the coding strand, the complement: COL2A1 is on the minus strand). VCF-style: chr12-47993993-C-T. GRCh37 (hg19) VCF-style: chr12-48387776-C-T.
Other names: c.663+1G>A (NM_033150.3).
Identifiers: ClinVar variation 1453173 (VCV001453173.10), dbSNP rs2136610457, ClinGen allele CA384522271.
Genomic context (GRCh38, chr12:47,993,993, plus strand): 5'-AAGTGCTTTTCTCTCCCACCAGGCATCTCTTCCTTCCAACCTTCTCACCCGTGATACTTA[C>T]TCTGTGACCTTTGACACCAGGAAGGCCTGGGGTTCCTGGGAAACCACGAGCACCCTGCAA-3'